The following is an entry in ClinVar:

ClinVar aggregate classification (germline): Uncertain significance (1 of 4 stars; one submission).

Conditions:
Autosomal dominant nocturnal frontal lobe epilepsy 5. Also called: Epilepsy, nocturnal frontal lobe, 5; CILIARY DYSKINESIA, PRIMARY, 28, WITHOUT SITUS INVERSUS; CILIARY DYSKINESIA, PRIMARY, 28, WITH SITUS INVERSUS; KCNT1-Related Epilepsy. Identifiers: Orphanet 98784, MedGen C3554306, MONDO:0014002, OMIM 615005.
Developmental and epileptic encephalopathy, 14 (DEE14). Also called: Early infantile epileptic encephalopathy 14. Identifiers: Orphanet 293181, MedGen C3554195, MONDO:0013989, OMIM 614959.

Allele frequency attached by ClinVar (database versions not stated): ExAC 0.00001; gnomAD 0.00001.
gnomAD v4.1: 5 of 1,608,988 alleles (0.00031%); highest among the groups gnomAD compares: South Asian, 0.0055%; no homozygotes.

Submission:

Labcorp Genetics (formerly Invitae), Labcorp
Classification: Uncertain significance for Autosomal dominant nocturnal frontal lobe epilepsy 5; Developmental and epileptic encephalopathy, 14. Last evaluated: 2023-04-06. Review status: criteria provided, single submitter. Criteria: Invitae Variant Classification Sherloc (09022015). Collection method: clinical testing. Allele origin: germline.
Comment: This sequence change replaces glutamic acid, which is acidic and polar, with glutamine, which is neutral and polar, at codon 250 of the KCNT1 protein (p.Glu250Gln). This variant is present in population databases (rs750230295, gnomAD 0.003%). This variant has not been reported in the literature in individuals affected with KCNT1-related conditions. Advanced modeling of protein sequence and biophysical properties (such as structural, functional, and spatial information, amino acid conservation, physicochemical variation, residue mobility, and thermodynamic stability) performed at Invitae indicates that this missense variant is not expected to disrupt KCNT1 protein function. In summary, the available evidence is currently insufficient to determine the role of this variant in disease. Therefore, it has been classified as a Variant of Uncertain Significance.

NM_020822.3(KCNT1):c.748G>C (p.Glu250Gln)

Gene: KCNT1 (potassium sodium-activated channel subfamily T member 1; plus strand). Cytogenetic location: 9q34.3.
Variant type: single nucleotide variant.
Coding change: c.748G>C on transcript NM_020822.3 (MANE Select); coding-DNA position 748, G replaced by C.
Protein change: p.Glu250Gln; replaces glutamic acid 250 with glutamine.
Molecular consequence: missense variant.
Genome position (GRCh38, 1-based): chr9:135,757,370, G>C. VCF-style: chr9-135757370-G-C. GRCh37 (hg19) VCF-style: chr9-138649216-G-C.
Other names: c.604G>C, p.Glu202Gln (NM_001272003.2); short protein forms E202Q, E250Q.
Identifiers: ClinVar variation 2945038 (VCV002945038.3), dbSNP rs750230295, ClinGen allele CA5326612.
Genomic context (GRCh38, chr9:135,757,370, plus strand): 5'-CCGCTGCGGAACCTGTTCATCCCCGTCTTTCTGAACTGCTGGCTGGCCAAGCACGCGCTG[G>C]AAAACATGATTGTAAGCCGGGGCGGGGGGTGCAGCTGGGACTTGGGGGGGCCACCCTCAG-3'
Protein context (NP_065873.2, residues 240-260): LNCWLAKHAL[Glu250Gln]NMINDFHRAI